The following is an entry in ClinVar:

NM_014112.5(TRPS1):c.3855A>C (p.Gln1285His)

Gene: TRPS1 (transcriptional repressor GATA binding 1; minus strand). Cytogenetic location: 8q23.3.
Variant type: single nucleotide variant.
Coding change: c.3855A>C on transcript NM_014112.5 (MANE Select); coding-DNA position 3855, A replaced by C.
Protein change: p.Gln1285His; replaces glutamine 1285 with histidine.
Molecular consequence: missense variant.
Genome position (GRCh38, 1-based): chr8:115,414,053, T>G on the plus strand (A>C on the coding strand, the complement: TRPS1 is on the minus strand). VCF-style: chr8-115414053-T-G. GRCh37 (hg19) VCF-style: chr8-116426281-T-G.
Other names: c.3828A>C, p.Gln1276His (NM_001282902.3); c.3834A>C, p.Gln1278His (NM_001282903.3); c.3816A>C, p.Gln1272His (NM_001330599.2); short protein forms Q1278H, Q1285H, Q1272H, Q1276H.
Identifiers: ClinVar variation 1468261 (VCV001468261.6), dbSNP rs1335170890, ClinGen allele CA372061821.

ClinVar aggregate classification (germline): Uncertain significance (1 of 4 stars; one submission).

Conditions:
Trichorhinophalangeal syndrome, type III (TRPS3). Also called: SUGIO-KAJII SYNDROME. Identifiers: Orphanet 77258, MedGen C1860823, OMIM 190351, MONDO:0008597.
Trichorhinophalangeal dysplasia type I (TRPS1). Also called: TRPS I; TRICHORHINOPHALANGEAL SYNDROME, TYPE I. Identifiers: Orphanet 77258, MedGen C0432233, MONDO:0008596, OMIM 190350.

Allele frequency attached by ClinVar (database versions not stated): gnomAD exomes below 0.00001 and 0.00001.
gnomAD v4.1: 3 of 1,613,792 alleles (0.00019%); highest among the groups gnomAD compares: South Asian, 0.0022%; no homozygotes.

Submission:

Labcorp Genetics (formerly Invitae), Labcorp
Classification: Uncertain significance for Trichorhinophalangeal syndrome, type III; Trichorhinophalangeal dysplasia type I. Last evaluated: 2023-11-19. Review status: criteria provided, single submitter. Criteria: Invitae Variant Classification Sherloc (09022015). Collection method: clinical testing. Allele origin: germline.
Comment: This sequence change replaces glutamine, which is neutral and polar, with histidine, which is basic and polar, at codon 1285 of the TRPS1 protein (p.Gln1285His). This variant is present in population databases (no rsID available, gnomAD 0.007%). This variant has not been reported in the literature in individuals affected with TRPS1-related conditions. ClinVar contains an entry for this variant (Variation ID: 1468261). Advanced modeling of protein sequence and biophysical properties (such as structural, functional, and spatial information, amino acid conservation, physicochemical variation, residue mobility, and thermodynamic stability) performed at Invitae indicates that this missense variant is not expected to disrupt TRPS1 protein function with a negative predictive value of 80%. In summary, the available evidence is currently insufficient to determine the role of this variant in disease. Therefore, it has been classified as a Variant of Uncertain Significance.